The following is an entry in ClinVar:

ClinVar aggregate classification (germline): Uncertain significance (1 of 4 stars; one submission).

Submission:

GeneDx
Classification: Uncertain significance. Last evaluated: 2024-01-21. Review status: criteria provided, single submitter. Criteria: GeneDx Variant Classification Process June 2021. Collection method: clinical testing. Allele origin: germline. Affected: yes.
Comment: Not observed at significant frequency in large population cohorts (gnomAD); In silico analysis supports that this missense variant has a deleterious effect on protein structure/function; Has not been previously published as pathogenic or benign to our knowledge

NM_004380.3(CREBBP):c.1154G>A (p.Cys385Tyr)

Gene: CREBBP (CREB binding protein; minus strand). Cytogenetic location: 16p13.3.
Variant type: single nucleotide variant.
Coding change: c.1154G>A on transcript NM_004380.3 (MANE Select); coding-DNA position 1154, G replaced by A.
Protein change: p.Cys385Tyr; replaces cysteine 385 with tyrosine.
Molecular consequence: missense variant.
Genome position (GRCh38, 1-based): chr16:3,793,448, C>T on the plus strand (G>A on the coding strand, the complement: CREBBP is on the minus strand). VCF-style: chr16-3793448-C-T. GRCh37 (hg19) VCF-style: chr16-3843449-C-T.
Other names: c.1154G>A, p.Cys385Tyr (NM_001079846.1); short protein forms C385Y.
Identifiers: ClinVar variation 3368175 (VCV003368175.1).
Genomic context (GRCh38, chr16:3,793,448, plus strand): 5'-TGGCAGGCTTTCCCAGCCTGACAATGCGTCATGTGATTCAAAACGTTTTTCATGGTTCGA[C>T]AATGCGGGAGCGAGCAGGCCCGAACCTCTCCGTTTGCTTGCTCTCGTCTCTGACACTTAT-3'
Protein context (NP_004371.2, residues 375-395): GEVRACSLPH[Cys385Tyr]RTMKNVLNHM